The following is an entry in ClinVar:

NM_000045.4(ARG1):c.896T>A (p.Ile299Lys)

Genes: ARG1 (arginase 1; plus strand), MED23 (mediator complex subunit 23; minus strand). Cytogenetic location: 6q23.2.
Variant type: single nucleotide variant.
Coding change: c.896T>A on transcript NM_000045.4 (MANE Select); coding-DNA position 896, T replaced by A.
Protein change: p.Ile299Lys; replaces isoleucine 299 with lysine.
Molecular consequence: missense variant. On other transcripts: non-coding transcript variant (1), intron variant (2).
Genome position (GRCh38, 1-based): chr6:131,583,835, T>A. VCF-style: chr6-131583835-T-A. GRCh37 (hg19) VCF-style: chr6-131904975-T-A.
Other names: c.920T>A, p.Ile307Lys (NM_001244438.2); c.641T>A, p.Ile214Lys (NM_001369020.1); c.4077+3874A>T (NM_001270521.2); c.4095+3874A>T (NM_015979.4); short protein forms I299K, I307K, I214K.
Identifiers: ClinVar variation 1382959 (VCV001382959.8), dbSNP rs781676090, ClinGen allele CA365653662.
Genomic context (GRCh38, chr6:131,583,835, plus strand): 5'-ACCCATCCCTGGGGAAGACACCAGAAGAAGTAACTCGAACAGTGAACACAGCAGTTGCAA[T>A]AACCTTGGCTTGTTTCGGACTTGCTCGGGAGGGTAATCACAAGCCTATTGACTACCTTAA-3'
Protein context (NP_000036.2, residues 289-309): VTRTVNTAVA[Ile299Lys]TLACFGLARE

ClinVar aggregate classification (germline): Uncertain significance (1 of 4 stars; one submission).

Conditions:
Arginase deficiency. Also called: ARGININEMIA; ARG1 DEFICIENCY; Arginase 1 Deficiency. Identifiers: Orphanet 90, MedGen C0268548, MONDO:0008814, OMIM 207800.

Submission:

Labcorp Genetics (formerly Invitae), Labcorp
Classification: Uncertain significance for Arginase deficiency. Last evaluated: 2021-02-03. Review status: criteria provided, single submitter. Criteria: Invitae Variant Classification Sherloc (09022015). Collection method: clinical testing. Allele origin: germline.
Comment: In summary, the available evidence is currently insufficient to determine the role of this variant in disease. Therefore, it has been classified as a Variant of Uncertain Significance. Algorithms developed to predict the effect of missense changes on protein structure and function are either unavailable or do not agree on the potential impact of this missense change (SIFT: "Deleterious"; PolyPhen-2: "Possibly Damaging"; Align-GVGD: "Class C0"). This variant has not been reported in the literature in individuals with ARG1-related conditions. This variant is not present in population databases (ExAC no frequency). This sequence change replaces isoleucine with lysine at codon 299 of the ARG1 protein (p.Ile299Lys). The isoleucine residue is moderately conserved and there is a moderate physicochemical difference between isoleucine and lysine.